The following is an entry in ClinVar:

NM_000127.3(EXT1):c.1164+1del

Gene: EXT1 (exostosin glycosyltransferase 1; minus strand). Cytogenetic location: 8q24.11.
Variant type: Deletion.
Coding change: c.1164+1del on transcript NM_000127.3 (MANE Select); the canonical splice donor site of the intron after coding-DNA position 1164, one base deleted (G; older notation c.1164+1delG).
Molecular consequence: splice donor variant.
Genome position (GRCh38, 1-based): chr8:117,835,443, C deleted on the plus strand (G on the coding strand, the reverse complement: EXT1 is on the minus strand); the first of 2 consecutive C bases (chr8:117,835,443-117,835,444); deleting either gives the same sequence. VCF-style (leftmost placement, unchanged base first): chr8-117835442-AC-A. GRCh37 (hg19) VCF-style: chr8-118847681-AC-A.
Other names: c.1164+1delG (NM_000127.2).
Identifiers: ClinVar variation 373807 (VCV000373807.1), dbSNP rs1057518623, ClinGen allele CA16042621.

ClinVar aggregate classification (germline): Likely pathogenic (1 of 4 stars; one submission).

Submission:

GeneDx
Classification: Likely pathogenic. Last evaluated: 2016-12-12. Review status: criteria provided, single submitter. Criteria: GeneDx Variant Classification (06012015). Collection method: clinical testing. Allele origin: germline. Affected: yes.
Comment: The c.1164+1delG splice site variant has not been published as a pathogenic variant, nor has it been reported as a benign variant to our knowledge. The variant destroys the canonical splice donor site in intron 3; however, the adjacent exon 3 remains in-frame. The variant was not observed in approximately 6,500 individuals of European and African American ancestry in the NHLBI Exome Sequencing Project, indicating it is not a common benign variant in these populations. Other splice variants in the same position (c.1164+1 G>C, c.1164+1 G>T, c.1164+1 G>A) have been reported in the Human Gene Mutation Database in association with hereditary multiple exostoses (Stenson et al., 2014). However, in the absence of RNA/functional studies, the actual effect of this sequence change in this individual is unknown. Therefore, we consider this variant to be likely pathogenic.